The following is an entry in ClinVar:

NM_000016.6(ACADM):c.494C>T (p.Ala165Val)

Gene: ACADM (acyl-CoA dehydrogenase medium chain; plus strand). Cytogenetic location: 1p31.1.
Variant type: single nucleotide variant.
Coding change: c.494C>T on transcript NM_000016.6 (MANE Select); coding-DNA position 494, C replaced by T.
Protein change: p.Ala165Val; replaces alanine 165 with valine.
Molecular consequence: missense variant. On other transcripts: 5 prime UTR variant (1).
Genome position (GRCh38, 1-based): chr1:75,740,005, C>T. VCF-style: chr1-75740005-C-T. GRCh37 (hg19) VCF-style: chr1-76205690-C-T.
Other names: c.506C>T, p.Ala169Val (NM_001127328.3); c.386C>T, p.Ala129Val (NM_001286042.2); c.593C>T, p.Ala198Val (NM_001286043.2); c.-74C>T (NM_001286044.2); short protein forms A129V, A169V, A165V, A198V.
Identifiers: ClinVar variation 853833 (VCV000853833.10), dbSNP rs1260394550, ClinGen allele CA340814913.

ClinVar aggregate classification (germline): Likely pathogenic. Review status: criteria provided, single submitter (1 of 4 stars). 2 submissions from 2 submitters: Likely pathogenic (1). 1 of the submissions does not count toward it. Last evaluated 2023-06-11.

Conditions:
Medium-chain acyl-coenzyme A dehydrogenase deficiency (ACADMD). Also called: MCADH DEFICIENCY; MCADD; MCAD Deficiency; ACADM DEFICIENCY; CARNITINE DEFICIENCY SECONDARY TO MEDIUM-CHAIN ACYL-CoA DEHYDROGENASE DEFICIENCY; Medium chain acyl-CoA dehydrogenase deficiency. Identifiers: Orphanet 42, MedGen C0220710, MONDO:0008721, OMIM 201450.

Allele frequency attached by ClinVar (database versions not stated): TOPMed 0.00001.
gnomAD v4.1: 1 of 1,612,176 alleles (0.000062%); highest among the groups gnomAD compares: East Asian, 0.0022%; no homozygotes.

Submissions (2):

Labcorp Genetics (formerly Invitae), Labcorp
Classification: Likely pathogenic for Medium-chain acyl-coenzyme A dehydrogenase deficiency. Last evaluated: 2023-06-11. Review status: criteria provided, single submitter. Criteria: Invitae Variant Classification Sherloc (09022015). Collection method: clinical testing. Allele origin: germline.
Comment: This sequence change replaces alanine, which is neutral and non-polar, with valine, which is neutral and non-polar, at codon 165 of the ACADM protein (p.Ala165Val). In summary, the currently available evidence indicates that the variant is pathogenic, but additional data are needed to prove that conclusively. Therefore, this variant has been classified as Likely Pathogenic. This variant disrupts the p.Ala165 amino acid residue in ACADM. Other variant(s) that disrupt this residue have been determined to be pathogenic (PMID: 22630369, 31012112). This suggests that this residue is clinically significant, and that variants that disrupt this residue are likely to be disease-causing. Advanced modeling of protein sequence and biophysical properties (such as structural, functional, and spatial information, amino acid conservation, physicochemical variation, residue mobility, and thermodynamic stability) has been performed at Invitae for this missense variant, however the output from this modeling did not meet the statistical confidence thresholds required to predict the impact of this variant on ACADM protein function. ClinVar contains an entry for this variant (Variation ID: 853833). This missense change has been observed in individual(s) with clinical features of ACADM-related conditions (Invitae). In at least one individual the data is consistent with being in trans (on the opposite chromosome) from a pathogenic variant. This variant is not present in population databases (gnomAD no frequency).

Natera, Inc.
Classification: Uncertain significance for Medium-chain acyl-coenzyme a dehydrogenase deficiency. Last evaluated: 2020-09-16. Review status: no assertion criteria provided. Collection method: clinical testing. Allele origin: germline. Not counted in ClinVar's aggregate classification.

Literature cited by the submitters: PubMed 22630369 (cited by Labcorp Genetics (formerly Invitae), Labcorp); PubMed 31012112 (cited by Labcorp Genetics (formerly Invitae), Labcorp).